The following is an entry in ClinVar:

ClinVar aggregate classification (germline): Uncertain significance. Review status: criteria provided, multiple submitters, no conflicts (2 of 4 stars). 2 submissions from 2 submitters: Uncertain significance (2). Last evaluated 2025-10-09.

Conditions:
Inborn genetic diseases. Identifiers: MedGen C0950123, MeSH D030342.

gnomAD v4.1: 18 of 1,614,098 alleles (0.0011%); highest among the groups gnomAD compares: Admixed American, 0.005%; no homozygotes.

Submissions (2):

Labcorp Genetics (formerly Invitae), Labcorp
Classification: Uncertain significance. Last evaluated: 2025-10-09. Review status: criteria provided, single submitter. Criteria: Invitae Variant Classification Sherloc (09022015). Collection method: clinical testing. Allele origin: germline.
Comment: This sequence change replaces arginine, which is basic and polar, with tryptophan, which is neutral and slightly polar, at codon 557 of the NDST1 protein (p.Arg557Trp). This variant is present in population databases (rs548986879, gnomAD 0.01%). This variant has not been reported in the literature in individuals affected with NDST1-related conditions. ClinVar contains an entry for this variant (Variation ID: 3403778). Invitae Evidence Modeling of protein sequence and biophysical properties (such as structural, functional, and spatial information, amino acid conservation, physicochemical variation, residue mobility, and thermodynamic stability) indicates that this missense variant is not expected to disrupt NDST1 protein function with a negative predictive value of 80%. In summary, the available evidence is currently insufficient to determine the role of this variant in disease. Therefore, it has been classified as a Variant of Uncertain Significance.

Ambry Genetics
Classification: Uncertain significance for Inborn genetic diseases. Last evaluated: 2024-09-27. Review status: criteria provided, single submitter. Criteria: Ambry Variant Classification Scheme 2023. Collection method: clinical testing. Allele origin: germline.

NM_001543.5(NDST1):c.1669C>T (p.Arg557Trp)

Gene: NDST1 (N-deacetylase and N-sulfotransferase 1; plus strand). Cytogenetic location: 5q33.1.
Variant type: single nucleotide variant.
Coding change: c.1669C>T on transcript NM_001543.5 (MANE Select); coding-DNA position 1669, C replaced by T.
Protein change: p.Arg557Trp; replaces arginine 557 with tryptophan.
Molecular consequence: missense variant.
Genome position (GRCh38, 1-based): chr5:150,540,184, C>T. VCF-style: chr5-150540184-C-T. GRCh37 (hg19) VCF-style: chr5-149919746-C-T.
Other names: c.1669C>T, p.Arg557Trp (NM_001301063.2); short protein forms R557W.
Identifiers: ClinVar variation 3403778 (VCV003403778.2).
Genomic context (GRCh38, chr5:150,540,184, plus strand): 5'-CGCCTGGGCCTGTACACCTTCAAGCACCTGGTGCGCTTCCTGCACTCCTGGACGAACCTC[C>T]GGCTGCAGACACTGCCCCCTGTGCAGTTGGCGCAGAAGTACTTCCAGATCTTCTCCGAGG-3'
Protein context (NP_001534.1, residues 547-567): VRFLHSWTNL[Arg557Trp]LQTLPPVQLA